The following is an entry in ClinVar:

NM_002693.3(POLG):c.2665G>A (p.Ala889Thr)

Gene: POLG (DNA polymerase gamma, catalytic subunit; minus strand). Cytogenetic location: 15q26.1.
Variant type: single nucleotide variant.
Coding change: c.2665G>A on transcript NM_002693.3 (MANE Select); coding-DNA position 2665, G replaced by A.
Protein change: p.Ala889Thr; replaces alanine 889 with threonine.
Molecular consequence: missense variant.
Genome position (GRCh38, 1-based): chr15:89,321,194, C>T on the plus strand (G>A on the coding strand, the complement: POLG is on the minus strand). VCF-style: chr15-89321194-C-T. GRCh37 (hg19) VCF-style: chr15-89864425-C-T.
Other names: c.2665G>A, p.Ala889Thr (NM_001126131.2); short protein forms A889T.
Identifiers: ClinVar variation 448104 (VCV000448104.65), dbSNP rs763393580, ClinGen allele CA7724385.

ClinVar aggregate classification (germline): Conflicting classifications of pathogenicity. Review status: criteria provided, conflicting classifications (1 of 4 stars). 11 submissions from 11 submitters: Pathogenic (6); Likely pathogenic (4); Uncertain significance (1). Last evaluated 2026-02-18.

Conditions:
Inborn genetic diseases. Identifiers: MedGen C0950123, MeSH D030342.
Progressive sclerosing poliodystrophy (MTDPS4A). Also called: Alpers-Huttenlocher Syndrome (AHS); NEURONAL DEGENERATION OF CHILDHOOD WITH LIVER DISEASE, PROGRESSIVE; ALPERS DIFFUSE DEGENERATION OF CEREBRAL GRAY MATTER WITH HEPATIC CIRRHOSIS; Alpers-Huttenlocher Syndrome; Mitochondrial DNA depletion syndrome 4A (Alpers type); Alpers Syndrome. Identifiers: Orphanet 726, MedGen C0205710, MONDO:0008758, OMIM 203700.
POLG-related disorder. Also called: POLG-related condition; POLG-Related Disorders; POLG-Related Spectrum Disorders. Identifiers: MedGen C4763519.
Mitochondrial DNA depletion syndrome. Also called: mitochondrial DNA depletion. Identifiers: Orphanet 35698, MedGen C0342782, MONDO:0018158.
Autosomal recessive POLG-related disorders.
Mitochondrial DNA depletion syndrome 4b. Also called: Mitochondrial Neurogastrointestinal Encephalopathy Disease, POLG-Related; MNGIE, POLG-RELATED. Identifiers: Orphanet 298, MedGen C3150914, MONDO:0013350, OMIM 613662.
Progressive external ophthalmoplegia with mitochondrial DNA deletions, autosomal dominant 1 (PEOA1). Also called: PROGRESSIVE EXTERNAL OPHTHALMOPLEGIA, AUTOSOMAL DOMINANT 1; Autosomal Dominant Progressive External Ophthalmoplegia (adPEO). Identifiers: MedGen C1834846, MONDO:0024528, OMIM 157640.
Progressive external ophthalmoplegia with mitochondrial DNA deletions, autosomal recessive 1 (PEOB1). Also called: Autosomal Recessive Progressive External Ophthalmoplegia (arPEO); Progressive external ophthalmoplegia, autosomal recessive 1. Identifiers: Orphanet 254886, MedGen C4225153, MONDO:0009783, OMIM 258450.
Sensory ataxic neuropathy, dysarthria, and ophthalmoparesis (SANDO). Also called: Epilepsy, progressive myoclonic, type 5; Sensory ataxic neuropathy-dysarthria-ophthalmoparesis syndrome; SENSORY ATAXIC NEUROPATHY WITH MITOCHONDRIAL DNA DELETIONS, AUTOSOMAL RECESSIVE; Ataxia Neuropathy Spectrum (ANS). Identifiers: Orphanet 70595, MedGen C1843851, MONDO:0011835, OMIM 607459.

Allele frequency attached by ClinVar (database versions not stated): ExAC 0.00002; gnomAD 0.00002; gnomAD exomes 0.00002 and 0.00004; TOPMed 0.00003.
gnomAD v4.1: 34 of 1,614,132 alleles (0.0021%); highest among the groups gnomAD compares: Admixed American, 0.0033%; no homozygotes.

Submissions 1 to 8 of 11:

Dasa
Classification: Likely pathogenic. Last evaluated: 2026-02-18. Review status: criteria provided, single submitter. Criteria: DASA Assertion Criteria. Collection method: clinical testing. Allele origin: germline.
Comment: NM_002693.3(POLG):c.2665G>A (p.Ala889Thr) is a missense variant that results in the substitution of alanine with threonine. This variant has been observed in affected individuals with related phenotype in a genotype context consistent with recessive disease (PMID: 12975295; PMID: 17980715; PMID: 25462018; PMID: 24099403; PMID: 29474836). Functional evidence supports a deleterious effect on the gene or gene product (PMID: 12975295; PMID: 17980715; PMID: 25462018; PMID: 24099403; PMID: 29474836). This variant has been recurrently observed in individuals with related phenotype (PMID: 12975295; PMID: 17980715; PMID: 25462018; PMID: 24099403; PMID: 29474836). Multiple computational predictions support a deleterious effect on the gene or gene product. The variant is present at low frequency in population datasets. Based on the available data, this variant is classified as likely pathogenic.

Variantyx, Inc.
Classification: Likely pathogenic for Autosomal recessive POLG-related disorders. Last evaluated: 2025-12-31. Review status: criteria provided, single submitter. Criteria: Variantyx Assertion Criteria 2022. Collection method: clinical testing. Allele origin: germline. Inheritance: Autosomal recessive inheritance. Affected: no.
Comment: This is a nonsynonymous variant in the POLG gene (OMIM: 174763). Pathogenic variants in this gene have been associated with autosomal recessive POLG-related disorders. This variant has been identified in the homozygous or compound heterozygous state in at least 4 individuals reported in the published literature (PMID: 12975295, 24099403, 29474836) (PM3_Strong). Multiple computational algorithms predict a deleterious effect for this variant (REVEL score: 0.978) (PP3). This variant has a 0.0033% maximum allele frequency in non-founder control populations (PM2_Moderate). Based on the current evidence, this variant is classified as likely pathogenic for autosomal recessive POLG-related disorders.

GeneDx
Classification: Pathogenic. Last evaluated: 2025-06-28. Review status: criteria provided, single submitter. Criteria: GeneDx Variant Classification Process June 2021. Collection method: clinical testing. Allele origin: germline. Affected: yes.
Comment: Not observed at significant frequency in large population cohorts (gnomAD); In silico analysis supports that this missense variant has a deleterious effect on protein structure/function; This variant is associated with the following publications: (PMID: 17980715, 19010300, 12975295, 29474836, 15800909, 33791913, 25462018, 32347949, 20883824, 17950645, 24099403, 20185557, 22470557, 35114397, 33486010)

Women's Health and Genetics/Laboratory Corporation of America, LabCorp
Classification: Pathogenic for Mitochondrial DNA depletion syndrome. Last evaluated: 2025-06-23. Review status: criteria provided, single submitter. Criteria: LabCorp Variant Classification Summary - May 2015. Collection method: clinical testing. Allele origin: germline.
Comment: Variant summary: POLG c.2665G>A (p.Ala889Thr) results in a non-conservative amino acid change in the encoded protein sequence. Algorithms developed to predict the effect of missense changes on protein structure and function all suggest that this variant is likely to be disruptive. The variant allele was found at a frequency of 4e-05 in 251228 control chromosomes. This frequency is not significantly higher than estimated for a pathogenic variant in POLG causing Mitochondrial DNA Depletion Syndrome - POLG Related (4e-05 vs 0.0035), allowing no conclusion about variant significance. c.2665G>A has been observed in the homozygous and compound heterozygous state in multiple individuals affected with autosomal recessive POLG-related conditions (Masingue_2018, Bandettin di Poggio_2013, Filosto_2003, Bychlov_2021). I was also detected in the heterozygous state in cis with a benign polymorphism, Glu1143Gly, in two brothers with progressive external ophthalmoplegia (PEO) and in their mother and paternal uncles who did not have PEO, but did exhibit tremors. These data indicate that the variant is very likely to be associated with autosomal recessive disease. At least one publication reports experimental evidence evaluating an impact on protein function. The most pronounced variant effect results in 30% of normal activit7 (Baruffini_2007). The following publications have been ascertained in the context of this evaluation (PMID: 17980715, 33486010, 12975295, 15800909, 29474836, 24099403). ClinVar contains an entry for this variant (Variation ID: 448104). While this variant has been reported in the literature, the clinical significance of the variant for autosomal dominant progressive external ophthalmoplegia could not be established. Based on the evidence outlined above, the variant was classified as pathogenic for autosomal recessive POLG-related conditions.

Labcorp Genetics (formerly Invitae), Labcorp
Classification: Pathogenic for Progressive sclerosing poliodystrophy. Last evaluated: 2025-04-11. Review status: criteria provided, single submitter. Criteria: Invitae Variant Classification Sherloc (09022015). Collection method: clinical testing. Allele origin: germline.
Comment: This sequence change replaces alanine, which is neutral and non-polar, with threonine, which is neutral and polar, at codon 889 of the POLG protein (p.Ala889Thr). This variant is present in population databases (rs763393580, gnomAD 0.07%). This missense change has been observed in individuals with autosomal recessive progressive external ophthalmoplegia (PEO) (PMID: 12975295, 24099403, 29474836). This variant has also been reported as occurring in cis with a polymorphism variant (p.Glu1143Gly) in a family with 2 brothers affected with PEO and neurological features; however, additional family members with these variants including the mother and 2 maternal uncles did not have PEO (PMID: 15800909). ClinVar contains an entry for this variant (Variation ID: 448104). Invitae Evidence Modeling of protein sequence and biophysical properties (such as structural, functional, and spatial information, amino acid conservation, physicochemical variation, residue mobility, and thermodynamic stability) indicates that this missense variant is expected to disrupt POLG protein function with a positive predictive value of 95%. Experimental studies have shown that this missense change affects POLG function (PMID: 17980715, 25462018). For these reasons, this variant has been classified as Pathogenic.

Revvity Omics, Revvity
Classification: Pathogenic. Last evaluated: 2024-10-28. Review status: criteria provided, single submitter. Criteria: ACMG Guidelines, 2015. Collection method: clinical testing. Allele origin: germline.

Baylor Genetics
Classification: Likely pathogenic for Progressive sclerosing poliodystrophy. Last evaluated: 2024-03-14. Review status: criteria provided, single submitter. Criteria: ACMG Guidelines, 2015. Collection method: clinical testing. Allele origin: unknown.

Fulgent Genetics
Classification: Likely pathogenic for Progressive external ophthalmoplegia with mitochondrial DNA deletions, autosomal dominant 1; Progressive sclerosing poliodystrophy; Progressive external ophthalmoplegia with mitochondrial DNA deletions, autosomal recessive 1; Sensory ataxic neuropathy, dysarthria, and ophthalmoparesis; Mitochondrial DNA depletion syndrome 4b. Last evaluated: 2024-03-04. Review status: criteria provided, single submitter. Criteria: ACMG Guidelines, 2015. Collection method: clinical testing. Allele origin: germline.